The following is an entry in ClinVar:

NM_000199.5(SGSH):c.752G>C (p.Gly251Ala)

Gene: SGSH (N-sulfoglucosamine sulfohydrolase; minus strand). Cytogenetic location: 17q25.3.
Variant type: single nucleotide variant.
Coding change: c.752G>C on transcript NM_000199.5 (MANE Select); coding-DNA position 752, G replaced by C.
Protein change: p.Gly251Ala; replaces glycine 251 with alanine.
Molecular consequence: missense variant. On other transcripts: non-coding transcript variant (1).
Genome position (GRCh38, 1-based): chr17:80,212,268, C>G on the plus strand (G>C on the coding strand, the complement: SGSH is on the minus strand). VCF-style: chr17-80212268-C-G. GRCh37 (hg19) VCF-style: chr17-78186067-C-G.
Other names: c.752G>C, p.Gly251Ala (NM_001352921.3, NM_001352922.2); short protein forms G251A.
Identifiers: ClinVar variation 730805 (VCV000730805.14), dbSNP rs144461610, ClinGen allele CA8817784.

ClinVar aggregate classification (germline): Conflicting classifications of pathogenicity. Review status: criteria provided, conflicting classifications (1 of 4 stars). 4 submissions from 4 submitters: Uncertain significance (1); Benign (2); Likely benign (1). Last evaluated 2026-01-27.

Conditions:
Mucopolysaccharidosis, MPS-III-A (MPS3A). Also called: MUCOPOLYSACCHARIDOSIS, TYPE IIIA, ATTENUATED; HEPARAN SULFATE SULFATASE DEFICIENCY; SANFILIPPO SYNDROME A; SULFAMIDASE DEFICIENCY; Mucopolysaccharidosis, type IIIA; MPS III A. Identifiers: Orphanet 581, Orphanet 79269, MedGen C0086647, MONDO:0009655, OMIM 252900.
SGSH-related disorder. Also called: SGSH-related condition.

Allele frequency attached by ClinVar (database versions not stated): TOPMed 0.00020; 1000 Genomes Project 30x 0.00031; gnomAD 0.00148 and 0.00137; ESP Exome Variant Server 0.00038; 1000 Genomes Project 0.00040; gnomAD exomes 0.00169; ExAC 0.00217.
gnomAD v4.1: 1,367 of 1,607,388 alleles (0.085%); highest among the groups gnomAD compares: Non-Finnish European, 0.032%; 12 homozygotes.

Submissions (4):

Labcorp Genetics (formerly Invitae), Labcorp
Classification: Benign for Mucopolysaccharidosis, MPS-III-A. Last evaluated: 2026-01-27. Review status: criteria provided, single submitter. Criteria: Invitae Variant Classification Sherloc (09022015). Collection method: clinical testing. Allele origin: germline.

Blueprint Genetics
Classification: Likely benign. Last evaluated: 2024-11-07. Review status: criteria provided, single submitter. Criteria: ACMG Guidelines, 2015. Collection method: clinical testing. Allele origin: germline.

PreventionGenetics, part of Exact Sciences
Classification: Benign for SGSH-related condition. Last evaluated: 2024-10-07. Review status: criteria provided, single submitter. Criteria: ACMG Guidelines, 2015. Collection method: clinical testing. Allele origin: germline.
Comment: This variant is classified as benign based on ACMG/AMP sequence variant interpretation guidelines (Richards et al. 2015 PMID: 25741868, with internal and published modifications).

Baylor Genetics
Classification: Uncertain significance for Mucopolysaccharidosis, MPS-III-A. Last evaluated: 2021-11-23. Review status: criteria provided, single submitter. Criteria: ACMG Guidelines, 2015. Collection method: clinical testing. Allele origin: unknown.